The following is an entry in ClinVar:

ClinVar aggregate classification (germline): Conflicting classifications of pathogenicity. Review status: criteria provided, conflicting classifications (1 of 4 stars). 3 submissions from 3 submitters: Uncertain significance (1); Likely benign (1). 1 of the submissions does not count toward it. Last evaluated 2024-03-08.

Conditions:
Microcephaly 1, primary, autosomal recessive (MCPH1). Also called: PREMATURE CHROMOSOME CONDENSATION SYNDROME; PCC SYNDROME; PREMATURE CHROMOSOME CONDENSATION WITH MICROCEPHALY AND MENTAL RETARDATION. Identifiers: Orphanet 2512, MedGen C1855081, MONDO:0009617, OMIM 251200.
MCPH1-related disorder. Also called: MCPH1-related condition.

Allele frequency attached by ClinVar (database versions not stated): gnomAD exomes 0.00001 and 0.00005; TOPMed 0.00009; gnomAD 0.00019.
gnomAD v4.1: 44 of 1,562,048 alleles (0.0028%); highest among the groups gnomAD compares: Admixed American, 0.085%; no homozygotes.

Submissions (3):

Labcorp Genetics (formerly Invitae), Labcorp
Classification: Likely benign. Last evaluated: 2024-03-08. Review status: criteria provided, single submitter. Criteria: Invitae Variant Classification Sherloc (09022015). Collection method: clinical testing. Allele origin: germline.

Illumina Laboratory Services, Illumina
Classification: Uncertain significance for Microcephaly 1, primary, autosomal recessive. Last evaluated: 2018-01-13. Review status: criteria provided, single submitter. Criteria: ICSL Variant Classification Criteria 13 December 2019. Collection method: clinical testing. Allele origin: germline.

PreventionGenetics, part of Exact Sciences
Classification: Likely benign for MCPH1-related condition. Last evaluated: 2019-08-08. Review status: no assertion criteria provided. Collection method: clinical testing. Allele origin: germline. Not counted in ClinVar's aggregate classification.
Comment: This variant is classified as likely benign based on ACMG/AMP sequence variant interpretation guidelines (Richards et al. 2015 PMID: 25741868, with internal and published modifications).

NM_024596.5(MCPH1):c.1825+14C>G

Gene: MCPH1 (microcephalin 1; plus strand). Cytogenetic location: 8p23.1.
Variant type: single nucleotide variant.
Coding change: c.1825+14C>G on transcript NM_024596.5 (MANE Select); 14 bases into the intron after coding-DNA position 1825, C replaced by G.
Molecular consequence: intron variant. On other transcripts: 3 prime UTR variant (4), non-coding transcript variant (1).
Genome position (GRCh38, 1-based): chr8:6,445,561, C>G. VCF-style: chr8-6445561-C-G. GRCh37 (hg19) VCF-style: chr8-6303082-C-G.
Other names: c.*6C>G (NM_001172574.2, NM_001172575.2, NM_001322043.2 and 1 more transcripts); c.1825+14C>G (NM_001322042.2, NM_001363980.2, NM_001363979.1 and 1 more transcripts).
Identifiers: ClinVar variation 363529 (VCV000363529.11), dbSNP rs2583, ClinGen allele CA10625729.
Genomic context (GRCh38, chr8:6,445,561, plus strand): 5'-GACGTCTACAGAAGAGAAGGAAAACTTACCCGGAGGATACAGTGGAAGTATGTGAATCTC[C>G]TTTTCCAAGTCACCTTCGCTAAATAAACATGTAACAGTGCATCCATATTTTAAATTTATC-3'